The following is an entry in ClinVar:

ClinVar aggregate classification (germline): Likely benign. Review status: criteria provided, multiple submitters, no conflicts (2 of 4 stars). 4 submissions from 4 submitters: Likely benign (4). Last evaluated 2026-01-28.

Conditions:
Short-rib thoracic dysplasia 8 with or without polydactyly (SRTD8). Also called: SHORT-RIB THORACIC DYSPLASIA 8 WITH POLYDACTYLY. Identifiers: Orphanet 93271, MedGen C3809691, MONDO:0014214, OMIM 615503.
Inborn genetic diseases. Identifiers: MedGen C0950123, MeSH D030342.

Allele frequency attached by ClinVar (database versions not stated): ExAC 0.00079; gnomAD exomes 0.00082; 1000 Genomes Project 30x 0.00203; 1000 Genomes Project 0.00220; ESP Exome Variant Server 0.00269; gnomAD 0.00275 and 0.00295; TOPMed 0.00325.
gnomAD v4.1: 1,057 of 1,613,984 alleles (0.065%); highest among the groups gnomAD compares: African/African-American, 0.92%; 2 homozygotes.

Submissions (4):

Labcorp Genetics (formerly Invitae), Labcorp
Classification: Likely benign for Short-rib thoracic dysplasia 8 with or without polydactyly. Last evaluated: 2026-01-28. Review status: criteria provided, single submitter. Criteria: Invitae Variant Classification Sherloc (09022015). Collection method: clinical testing. Allele origin: germline.

CeGaT Center for Human Genetics Tuebingen
Classification: Likely benign. Last evaluated: 2025-03-01. Review status: criteria provided, single submitter. Criteria: CeGaT Center For Human Genetics Tuebingen Variant Classification Criteria Version 2. Collection method: clinical testing. Allele origin: germline. Affected: yes. Observed: 1 variant allele.
Comment: DYNC2I1: BP4, BS2

Blueprint Genetics
Classification: Likely benign. Last evaluated: 2024-10-02. Review status: criteria provided, single submitter. Criteria: ACMG Guidelines, 2015. Collection method: clinical testing. Allele origin: germline.

Ambry Genetics
Classification: Likely benign for Inborn genetic diseases. Last evaluated: 2023-04-06. Review status: criteria provided, single submitter. Criteria: Ambry Variant Classification Scheme 2023. Collection method: clinical testing. Allele origin: germline.

NM_018051.5(DYNC2I1):c.1040C>T (p.Pro347Leu)

Gene: DYNC2I1 (dynein 2 intermediate chain 1; plus strand). Cytogenetic location: 7q36.3.
Variant type: single nucleotide variant.
Coding change: c.1040C>T on transcript NM_018051.5 (MANE Select); coding-DNA position 1040, C replaced by T.
Protein change: p.Pro347Leu; replaces proline 347 with leucine.
Molecular consequence: missense variant. On other transcripts: 5 prime UTR variant (3).
Genome position (GRCh38, 1-based): chr7:158,891,314, C>T. VCF-style: chr7-158891314-C-T. GRCh37 (hg19) VCF-style: chr7-158684005-C-T.
Other names: c.902C>T, p.Pro301Leu (NM_001350914.2); c.467C>T, p.Pro156Leu (NM_001350915.2); c.-319C>T (NM_001350916.2); c.-327C>T (NM_001350917.2); c.-446C>T (NM_001350918.2); short protein forms P156L, P301L, P347L.
Identifiers: ClinVar variation 707029 (VCV000707029.19), dbSNP rs73529717, ClinGen allele CA4594498.